The following is an entry in ClinVar:

NM_004385.5(VCAN):c.3763A>G (p.Thr1255Ala)

Gene: VCAN (versican; plus strand). Cytogenetic location: 5q14.3.
Variant type: single nucleotide variant.
Coding change: c.3763A>G on transcript NM_004385.5 (MANE Select); coding-DNA position 3763, A replaced by G.
Protein change: p.Thr1255Ala; replaces threonine 1255 with alanine.
Molecular consequence: missense variant. On other transcripts: intron variant (2).
Genome position (GRCh38, 1-based): chr5:83,522,069, A>G. VCF-style: chr5-83522069-A-G. GRCh37 (hg19) VCF-style: chr5-82817888-A-G.
Other names: c.3763A>G, p.Thr1255Ala (NM_001164098.2); c.1042+9673A>G (NM_001164097.2, NM_001126336.3); short protein forms T1255A.
Identifiers: ClinVar variation 1403011 (VCV001403011.9), dbSNP rs1746129065, ClinGen allele CA360306761.

ClinVar aggregate classification (germline): Uncertain significance (1 of 4 stars; one submission).

Allele frequency attached by ClinVar (database versions not stated): gnomAD exomes below 0.00001; gnomAD 0.00001; TOPMed 0.00001.
gnomAD v4.1: 3 of 1,614,106 alleles (0.00019%); highest among the groups gnomAD compares: Admixed American, 0.0017%; no homozygotes.

Submission:

Labcorp Genetics (formerly Invitae), Labcorp
Classification: Uncertain significance. Last evaluated: 2024-10-21. Review status: criteria provided, single submitter. Criteria: Invitae Variant Classification Sherloc (09022015). Collection method: clinical testing. Allele origin: germline.
Comment: This sequence change replaces threonine, which is neutral and polar, with alanine, which is neutral and non-polar, at codon 1255 of the VCAN protein (p.Thr1255Ala). This variant is not present in population databases (gnomAD no frequency). This variant has not been reported in the literature in individuals affected with VCAN-related conditions. ClinVar contains an entry for this variant (Variation ID: 1403011). An algorithm developed to predict the effect of missense changes on protein structure and function (PolyPhen-2) suggests that this variant is likely to be tolerated. In summary, the available evidence is currently insufficient to determine the role of this variant in disease. Therefore, it has been classified as a Variant of Uncertain Significance.